The following is an entry in ClinVar:

ClinVar aggregate classification (germline): Uncertain significance (1 of 4 stars; one submission).

Conditions:
Focal segmental glomerulosclerosis 9 (FSGS9). Identifiers: Orphanet 656, MedGen C4015555, MONDO:0014539, OMIM 616220.

Submission:

MVZ Medizinische Genetik Mainz
Classification: Uncertain significance for Focal segmental glomerulosclerosis 9. Last evaluated: 2024-08-09. Review status: criteria provided, single submitter. Criteria: UK Practice Guidelines For Variant Classification V4 01 2020. Collection method: clinical testing. Allele origin: germline. Inheritance: Autosomal recessive inheritance. Affected: yes. Observed: 1 variant allele.
Comment: ACMG Criteria: PM4,PM2_SUP,PM3_SUP

NM_173689.7(CRB2):c.3220_3228del (p.Leu1074_Asp1076del)

Gene: CRB2 (crumbs cell polarity complex component 2; plus strand). Cytogenetic location: 9q33.3.
Variant type: Deletion.
Coding change: c.3220_3228del on transcript NM_173689.7 (MANE Select); coding-DNA positions 3220 to 3228, 9 bases deleted (CTCTTCGAC; older notation c.3220_3228delCTCTTCGAC).
Protein change: p.Leu1074_Asp1076del.
Molecular consequence: inframe deletion. On other transcripts: non-coding transcript variant (1).
Genome position (GRCh38, 1-based): chr9:123,373,751-123,373,759, CTCTTCGAC deleted; deleting any 9 consecutive bases within chr9:123,373,748-123,373,759 gives the same sequence; the c. name uses the placement nearest the transcript's 3' end. VCF-style (leftmost placement, unchanged base first): chr9-123373747-TGACCTCTTC-T. GRCh37 (hg19) VCF-style: chr9-126136026-TGACCTCTTC-T.
Identifiers: ClinVar variation 3338371 (VCV003338371.1).